The following is an entry in ClinVar:

NM_004655.4(AXIN2):c.-2C>A

Gene: AXIN2 (axin 2; minus strand). Cytogenetic location: 17q24.1.
Variant type: single nucleotide variant.
Coding change: c.-2C>A on transcript NM_004655.4 (MANE Select); 2 bases upstream of the start codon, C replaced by A.
Molecular consequence: 5 prime UTR variant.
Genome position (GRCh38, 1-based): chr17:65,558,622, G>T on the plus strand (C>A on the coding strand, the complement: AXIN2 is on the minus strand). VCF-style: chr17-65558622-G-T. GRCh37 (hg19) VCF-style: chr17-63554740-G-T.
Other names: c.-2C>A (NM_001363813.1).
Identifiers: ClinVar variation 1798651 (VCV001798651.2), dbSNP rs2044313983, ClinGen allele CA2580095222.
Genomic context (GRCh38, chr17:65,558,622, plus strand): 5'-TCCTCACGGAAGCTGCTGCTGGGGTCCGGGAGGCAAGTCACCAACATAGCGCTACTCATG[G>T]TGAGGGAGCTCTTCCCACTGAGTCTGGGAATTTTTCTTCTTCCAGTTCCTCTCAGCAATC-3'

ClinVar aggregate classification (germline): Uncertain significance (1 of 4 stars; one submission).

Conditions:
Hereditary cancer-predisposing syndrome. Also called: Neoplastic Syndromes, Hereditary; Tumor predisposition; Hereditary Cancer Syndrome; Hereditary neoplastic syndrome. Identifiers: Orphanet 140162, MedGen C0027672, MeSH D009386, MONDO:0015356.

Submission:

Ambry Genetics
Classification: Uncertain significance for Hereditary cancer-predisposing syndrome. Last evaluated: 2022-05-17. Review status: criteria provided, single submitter. Criteria: Ambry Variant Classification Scheme 2023. Collection method: clinical testing. Allele origin: germline.
Comment: The c.-2C>A variant is located in the 5' untranslated region (5&rsquo; UTR) of the AXIN2 gene. This variant results from a C to A substitution 2 bases upstream from the first translated codon. This nucleotide position is highly conserved in available vertebrate species. Since supporting evidence is limited at this time, the clinical significance of this alteration remains unclear.